The following is an entry in ClinVar:

ClinVar aggregate classification (germline): Uncertain significance (1 of 4 stars; one submission).

Submission:

Women's Health and Genetics/Laboratory Corporation of America, LabCorp
Classification: Uncertain significance. Last evaluated: 2024-08-19. Review status: criteria provided, single submitter. Criteria: LabCorp Variant Classification Summary - May 2015. Collection method: clinical testing. Allele origin: germline.
Comment: Variant summary: CFTR c.352T>C (p.Ser118Pro) results in a non-conservative amino acid change located in the ABC transporter type 1, transmembrane domain (IPR011527) of the encoded protein sequence. Four of four in-silico tools predict a damaging effect of the variant on protein function. The variant was absent in 250958 control chromosomes. The available data on variant occurrences in the general population are insufficient to allow any conclusion about variant significance. c.352T>C has been reported in the literature in the heterozygous state in at least 1 individual affected with Congenital Bilateral Absence Of The Vas Deferens (example, Sharma_2014, Sharma_2015), however this is an insufficient genotype. These report(s) do not provide unequivocal conclusions about association of the variant with Congenital Bilateral Absence Of The Vas Deferens. At least one publication reports experimental evidence evaluating an impact on protein function. These results showed no damaging effect of this variant (example, Sharma_2015). The following publications have been ascertained in the context of this evaluation (PMID: 24958810, 25042876). No submitters have cited clinical-significance assessments for this variant to ClinVar. Based on the evidence outlined above, the variant was classified as uncertain significance.

Literature cited by the submitters: PubMed 24958810; PubMed 25042876.

NM_000492.4(CFTR):c.352T>C (p.Ser118Pro)

Gene: CFTR (CF transmembrane conductance regulator; plus strand). Cytogenetic location: 7q31.2.
Variant type: single nucleotide variant.
Coding change: c.352T>C on transcript NM_000492.4 (MANE Select); coding-DNA position 352, T replaced by C.
Protein change: p.Ser118Pro; replaces serine 118 with proline.
Molecular consequence: missense variant.
Genome position (GRCh38, 1-based): chr7:117,530,977, T>C. VCF-style: chr7-117530977-T-C. GRCh37 (hg19) VCF-style: chr7-117171031-T-C.
Other names: short protein forms S118P.
Identifiers: ClinVar variation 3366738 (VCV003366738.1).
Genomic context (GRCh38, chr7:117,530,977, plus strand): 5'-CAGCCTCTCTTACTGGGAAGAATCATAGCTTCCTATGACCCGGATAACAAGGAGGAACGC[T>C]CTATCGCGATTTATCTAGGCATAGGCTTATGCCTTCTCTTTATTGTGAGGACACTGCTCC-3'
Protein context (NP_000483.3, residues 108-128): SYDPDNKEER[Ser118Pro]IAIYLGIGLC